The following is an entry in ClinVar:

ClinVar aggregate classification (germline): Uncertain significance (1 of 4 stars; one submission).

Allele frequency attached by ClinVar (database versions not stated): gnomAD exomes below 0.00001; TOPMed below 0.00001; gnomAD 0.00001.

Submission:

GeneDx
Classification: Uncertain significance. Last evaluated: 2021-09-14. Review status: criteria provided, single submitter. Criteria: GeneDx Variant Classification Process June 2021. Collection method: clinical testing. Allele origin: germline. Affected: yes.
Comment: Not observed in large population cohorts (Lek et al., 2016); In silico analysis supports that this missense variant has a deleterious effect on protein structure/function; Has not been previously published as pathogenic or benign to our knowledge

NM_005631.5(SMO):c.392T>C (p.Met131Thr)

Gene: SMO (smoothened, frizzled class receptor; plus strand). Cytogenetic location: 7q32.1.
Variant type: single nucleotide variant.
Coding change: c.392T>C on transcript NM_005631.5 (MANE Select); coding-DNA position 392, T replaced by C.
Protein change: p.Met131Thr; replaces methionine 131 with threonine.
Molecular consequence: missense variant.
Genome position (GRCh38, 1-based): chr7:129,203,444, T>C. VCF-style: chr7-129203444-T-C. GRCh37 (hg19) VCF-style: chr7-128843285-T-C.
Other names: short protein forms M131T.
Identifiers: ClinVar variation 1320425 (VCV001320425.2), dbSNP rs1793703823, ClinGen allele CA369240430.